The following is an entry in ClinVar:

NM_025215.6(PUS1):c.931G>A (p.Glu311Lys)

Gene: PUS1 (pseudouridine synthase 1; plus strand). Cytogenetic location: 12q24.33.
Variant type: single nucleotide variant.
Coding change: c.931G>A on transcript NM_025215.6 (MANE Select); coding-DNA position 931, G replaced by A.
Protein change: p.Glu311Lys; replaces glutamic acid 311 with lysine.
Molecular consequence: missense variant.
Genome position (GRCh38, 1-based): chr12:131,941,678, G>A. VCF-style: chr12-131941678-G-A. GRCh37 (hg19) VCF-style: chr12-132426223-G-A.
Other names: c.847G>A, p.Glu283Lys (NM_001002019.3, NM_001002020.3); short protein forms E283K, E311K.
Identifiers: ClinVar variation 4686972 (VCV004686972.1).
Genomic context (GRCh38, chr12:131,941,678, plus strand): 5'-ATGCATCAGATCCGGAAGATGGTCGGCCTGGTGGTGGCCATTGTGAAGGGTTATGCCCCT[G>A]AGAGCGTGCTGGAGCGCAGCTGGGGCACAGAGAAGGTGGACGTGCCCAAGGCGCCCGGAC-3'
Protein context (NP_079491.2, residues 301-321): VVAIVKGYAP[Glu311Lys]SVLERSWGTE

ClinVar aggregate classification (germline): Uncertain significance (1 of 4 stars; one submission).

Submission:

GeneDx
Classification: Uncertain significance. Last evaluated: 2025-07-25. Review status: criteria provided, single submitter. Criteria: GeneDx Variant Classification Process June 2021. Collection method: clinical testing. Allele origin: germline. Affected: yes.
Comment: Not observed at significant frequency in large population cohorts (gnomAD); In silico analysis suggests that this missense variant does not alter protein structure/function; Has not been previously published as pathogenic or benign to our knowledge